The following is an entry in ClinVar:

NM_014236.4(GNPAT):c.1003C>T (p.Arg335Ter)

Gene: GNPAT (glyceronephosphate O-acyltransferase; plus strand). Cytogenetic location: 1q42.2.
Variant type: single nucleotide variant.
Coding change: c.1003C>T on transcript NM_014236.4 (MANE Select); coding-DNA position 1003, C replaced by T.
Protein change: p.Arg335Ter; replaces arginine 335 with a stop codon.
Molecular consequence: nonsense.
Genome position (GRCh38, 1-based): chr1:231,266,355, C>T. VCF-style: chr1-231266355-C-T. GRCh37 (hg19) VCF-style: chr1-231402101-C-T.
Other names: c.820C>T, p.Arg274Ter (NM_001316350.2); short protein forms R335*, R274*.
Identifiers: ClinVar variation 618665 (VCV000618665.11), dbSNP rs777894746, ClinGen allele CA1451940.

ClinVar aggregate classification (germline): Likely pathogenic. Review status: criteria provided, multiple submitters, no conflicts (2 of 4 stars). 2 submissions from 2 submitters: Likely pathogenic (2). Last evaluated 2026-01-12.

Conditions:
GNPAT-related disorder. Also called: GNPAT-related condition.

Allele frequency attached by ClinVar (database versions not stated): ExAC 0.00001; gnomAD exomes 0.00001.
gnomAD v4.1: 3 of 1,613,924 alleles (0.00019%); highest among the groups gnomAD compares: Admixed American, 0.0017%; no homozygotes.

Submissions (2):

PreventionGenetics, part of Exact Sciences
Classification: Likely pathogenic for GNPAT-related condition. Last evaluated: 2026-01-12. Review status: criteria provided, single submitter. Criteria: ACMG Guidelines, 2015. Collection method: clinical testing. Allele origin: germline.
Comment: The GNPAT c.1003C>T variant is predicted to result in premature protein termination (p.Arg335*). This variant has been reported in the compound heterozygous state in an individual with tetralogy of Fallot and intrauterine growth restriction (IUGR) (Case ID #16 in Carrer et al. 2026.). This variant is reported in 0.0029% of alleles in individuals of Latino descent in gnomAD. Nonsense variants in GNPAT are expected to be pathogenic. This variant is interpreted as likely pathogenic.

ARUP Laboratories, Molecular Genetics and Genomics, ARUP Laboratories
Classification: Likely pathogenic. Last evaluated: 2018-02-02. Review status: criteria provided, single submitter. Criteria: ARUP Molecular Germline Variant Investigation Process. Collection method: clinical testing. Allele origin: germline.
Comment: The GNPAT c.1003C>T; p.Arg335Ter variant (rs777894746), to our knowledge, is not reported in the medical literature, gene specific variation databases, nor has it been previously identified by our laboratory. The c.1003C>T variant results in a premature termination codon and is predicted to result in a truncated or absent protein product. Other premature termination codon variants in this gene have been reported in patients diagnosed with rhizomelic chondrodysplasia punctata, type 2 (Ofman 1998, Itzkovitz 2012, Nimmo 2010). This variant is listed in the genome Aggregation Database (gnomAD) with an overall population frequency of 0.0008% (identified on 2 out of 246,074 chromosomes). Based on the available information, the c.1003C>T; p.Arg335Ter variant is likely to be pathogenic.